The following is an entry in ClinVar:

NM_001042492.3(NF1):c.7030A>T (p.Thr2344Ser)

Gene: NF1 (neurofibromin 1; plus strand). Cytogenetic location: 17q11.2.
Variant type: single nucleotide variant.
Coding change: c.7030A>T on transcript NM_001042492.3 (MANE Select); coding-DNA position 7030, A replaced by T.
Protein change: p.Thr2344Ser; replaces threonine 2344 with serine.
Molecular consequence: missense variant.
Genome position (GRCh38, 1-based): chr17:31,340,613, A>T. VCF-style: chr17-31340613-A-T. GRCh37 (hg19) VCF-style: chr17-29667631-A-T.
Other names: c.6967A>T, p.Thr2323Ser (NM_000267.4); short protein forms T2323S, T2344S.
Identifiers: ClinVar variation 3365327 (VCV003365327.3).

ClinVar aggregate classification (germline): Uncertain significance. Review status: criteria provided, multiple submitters, no conflicts (2 of 4 stars). 2 submissions from 2 submitters: Uncertain significance (2). Last evaluated 2024-12-18.

Conditions:
Neurofibromatosis, type 1 (NF1). Also called: VON RECKLINGHAUSEN DISEASE; Peripheral type neurofibromatosis; Neurofibromatosis, type I; NEUROFIBROMATOSIS, TYPE I, SOMATIC. Identifiers: Orphanet 636, MedGen C0027831, MONDO:0018975, OMIM 162200. Disease mechanism: loss of function.

Submissions (2):

Labcorp Genetics (formerly Invitae), Labcorp
Classification: Uncertain significance for Neurofibromatosis, type 1. Last evaluated: 2024-12-18. Review status: criteria provided, single submitter. Criteria: Invitae Variant Classification Sherloc (09022015). Collection method: clinical testing. Allele origin: germline.
Comment: This sequence change replaces threonine, which is neutral and polar, with serine, which is neutral and polar, at codon 2323 of the NF1 protein (p.Thr2323Ser). This variant is not present in population databases (gnomAD no frequency). This variant has not been reported in the literature in individuals affected with NF1-related conditions. Invitae Evidence Modeling of protein sequence and biophysical properties (such as structural, functional, and spatial information, amino acid conservation, physicochemical variation, residue mobility, and thermodynamic stability) has been performed for this missense variant. However, the output from this modeling did not meet the statistical confidence thresholds required to predict the impact of this variant on NF1 protein function. In summary, the available evidence is currently insufficient to determine the role of this variant in disease. Therefore, it has been classified as a Variant of Uncertain Significance.

GeneDx
Classification: Uncertain significance. Last evaluated: 2023-12-11. Review status: criteria provided, single submitter. Criteria: GeneDx Variant Classification Process June 2021. Collection method: clinical testing. Allele origin: germline. Affected: yes.
Comment: Not observed at significant frequency in large population cohorts (gnomAD); In silico analysis supports that this missense variant has a deleterious effect on protein structure/function; Has not been previously published as pathogenic or benign to our knowledge; This variant is associated with the following publications: (PMID: 25486365)